The following is an entry in ClinVar:

ClinVar aggregate classification (germline): Benign. Review status: criteria provided, multiple submitters, no conflicts (2 of 4 stars). 4 submissions from 4 submitters: Benign (3). 1 of the submissions does not count toward it. Last evaluated 2024-11-28.

Allele frequency attached by ClinVar (database versions not stated): ESP Exome Variant Server 0.22962; TOPMed 0.23477; gnomAD 0.23864 and 0.24205; 1000 Genomes Project 30x 0.26140; gnomAD exomes 0.26614 and 0.26888; 1000 Genomes Project 0.26717; ExAC 0.26975.
gnomAD v4.1: 412,054 of 1,546,454 alleles (27%); highest among the groups gnomAD compares: East Asian, 52%; 57,254 homozygotes.

Submissions (4):

Blueprint Genetics
Classification: Benign. Last evaluated: 2024-11-28. Review status: criteria provided, single submitter. Criteria: ACMG Guidelines, 2015. Collection method: clinical testing. Allele origin: germline.

Mayo Clinic Laboratories, Mayo Clinic
Classification: Benign. Last evaluated: 2022-03-24. Review status: criteria provided, single submitter. Criteria: ACMG Guidelines, 2015. Collection method: clinical testing. Allele origin: germline. Observed: 216 variant alleles.

Breakthrough Genomics
Classification: Benign. Review status: criteria provided, single submitter. Criteria: ACMG Guidelines, 2015. Collection method: not provided. Allele origin: germline. Inheritance: Autosomal recessive inheritance. Affected: yes.

Genetic Services Laboratory, University of Chicago
Classification: Likely benign for AllHighlyPenetrant. Review status: no assertion criteria provided. Collection method: clinical testing. Allele origin: germline. Inheritance: Autosomal recessive inheritance. Not counted in ClinVar's aggregate classification.
Comment: Likely benign based on allele frequency in 1000 Genomes Project or ESP global frequency and its presence in a patient with a rare or unrelated disease phenotype. NOT Sanger confirmed.

NM_001163809.2(WDR81):c.2142T>C (p.Gly714=)

Gene: WDR81 (WD repeat domain 81; plus strand). Cytogenetic location: 17p13.3.
Variant type: single nucleotide variant.
Coding change: c.2142T>C on transcript NM_001163809.2 (MANE Select); coding-DNA position 2142, T replaced by C.
Protein change: p.Gly714=; no amino-acid change (glycine 714 retained).
Molecular consequence: synonymous variant. On other transcripts: intron variant (3).
Genome position (GRCh38, 1-based): chr17:1,727,101, T>C. VCF-style: chr17-1727101-T-C. GRCh37 (hg19) VCF-style: chr17-1630395-T-C.
Other names: p.Gly714=; c.-123-889T>C (NM_152348.4); c.59-3279T>C (NM_001163673.2); c.-15+2315T>C (NM_001163811.2).
Identifiers: ClinVar variation 130735 (VCV000130735.9), dbSNP rs59643265, ClinGen allele CA155975.
Genomic context (GRCh38, chr17:1,727,101, plus strand): 5'-GGCCTCAGCCTCCCGTCCAGGCCGCAGGAATAAAGCTGCTGGGGCAGACCCTGGGGAGGG[T>C]GAGGAGGGGAGGATTCTTCTTCCCGAGGGCTTCAATCCCATGCAGGCCCTGGAGGAGCTG-3'
Protein context (NP_001157281.1, residues 704-724): NKAAGADPGE[Gly714=]EEGRILLPEG